The following is an entry in ClinVar:

ClinVar aggregate classification (germline): Uncertain significance (1 of 4 stars; one submission).

gnomAD v4.1: 2 of 1,592,196 alleles (0.00013%); highest among the groups gnomAD compares: Non-Finnish European, 0.000086%; no homozygotes.

Submission:

Women's Health and Genetics/Laboratory Corporation of America, LabCorp
Classification: Uncertain significance. Last evaluated: 2026-03-27. Review status: criteria provided, single submitter. Criteria: LabCorp Variant Classification Summary - May 2015. Collection method: clinical testing. Allele origin: germline.
Comment: Variant summary: TNRC6B c.2059A>G (p.Thr687Ala) results in a non-conservative amino acid change in the encoded protein sequence. Algorithms developed to predict the effect of missense changes on protein structure and function are either unavailable or do not agree on the potential impact of this missense change. The variant was absent in 211486 control chromosomes. The available data on variant occurrences in the general population are insufficient to allow any conclusion about variant significance. To our knowledge, no occurrence of c.2059A>G in individuals affected with TNRC6B-related conditions and no experimental evidence demonstrating its impact on protein function have been reported. No submitters have cited clinical-significance assessments for this variant to ClinVar. Based on the evidence outlined above, the variant was classified as uncertain significance.

NM_001162501.2(TNRC6B):c.2059A>G (p.Thr687Ala)

Gene: TNRC6B (trinucleotide repeat containing adaptor 6B; plus strand). Cytogenetic location: 22q13.1.
Variant type: single nucleotide variant.
Coding change: c.2059A>G on transcript NM_001162501.2 (MANE Select); coding-DNA position 2059, A replaced by G.
Protein change: p.Thr687Ala; replaces threonine 687 with alanine.
Molecular consequence: missense variant. On other transcripts: intron variant (1).
Genome position (GRCh38, 1-based): chr22:40,266,289, A>G. VCF-style: chr22-40266289-A-G. GRCh37 (hg19) VCF-style: chr22-40662293-A-G.
Other names: c.2059A>G, p.Thr687Ala (NM_015088.3); c.566-3833A>G (NM_001024843.2); short protein forms T687A.
Identifiers: ClinVar variation 4847646 (VCV004847646.1).